The following is an entry in ClinVar:

NM_003235.5(TG):c.4588C>T (p.Arg1530Ter)

Gene: TG (thyroglobulin; plus strand). Cytogenetic location: 8q24.22.
Variant type: single nucleotide variant.
Coding change: c.4588C>T on transcript NM_003235.5 (MANE Select); coding-DNA position 4588, C replaced by T.
Protein change: p.Arg1530Ter; replaces arginine 1530 with a stop codon.
Molecular consequence: nonsense.
Genome position (GRCh38, 1-based): chr8:132,923,397, C>T. VCF-style: chr8-132923397-C-T. GRCh37 (hg19) VCF-style: chr8-133935642-C-T.
Other names: R1511*; short protein forms R1530*.
Identifiers: ClinVar variation 12691 (VCV000012691.18), dbSNP rs121912646, ClinGen allele CA210698.

ClinVar aggregate classification (germline): Pathogenic. Review status: criteria provided, multiple submitters, no conflicts (2 of 4 stars). 12 submissions from 12 submitters: Pathogenic (10). 2 of the submissions do not count toward it. Last evaluated 2026-08-05.

Conditions:
TG-related disorder. Also called: TG-related condition; TG-related disorders.
Autoimmune thyroid disease, susceptibility to, 3. Identifiers: MedGen C1842444, MONDO:0011982, OMIM 608175.
Iodotyrosyl coupling defect (TDH3). Also called: THYROID HORMONOGENESIS, GENETIC DEFECT IN, 3; HYPOTHYROIDISM, CONGENITAL, DUE TO DYSHORMONOGENESIS, 3. Identifiers: Orphanet 95716, MedGen C0342194, MONDO:0010135, OMIM 274700.
Congenital hypothyroidism. Identifiers: Orphanet 442, MedGen C0010308, MONDO:0018612, HP:0000851.

Allele frequency attached by ClinVar (database versions not stated): ExAC 0.00007; TOPMed 0.00010; gnomAD 0.00011.
gnomAD v4.1: 214 of 1,613,922 alleles (0.013%); highest among the groups gnomAD compares: Non-Finnish European, 0.017%; no homozygotes.

Submissions (12):

Cambridge Genomics Laboratory, East Genomic Laboratory Hub, NHS Genomic Medicine Service
Classification: Pathogenic for Congenital hypothyroidism. Last evaluated: 2026-08-05. Review status: criteria provided, single submitter. Criteria: ACGS Best Practice Guidelines for Variant Classification in Rare Disease 2020. Collection method: clinical testing. Allele origin: germline. Affected: yes.
Comment: PVS1,PM2

PreventionGenetics, part of Exact Sciences
Classification: Pathogenic for TG-related condition. Last evaluated: 2025-12-02. Review status: criteria provided, single submitter. Criteria: ACMG Guidelines, 2015. Collection method: clinical testing. Allele origin: germline.
Comment: The TG c.4588C>T variant is predicted to result in premature protein termination (p.Arg1530*). This variant, alternatively referred to as p.Arg1511X using legacy nomenclature, has been reported in the compound heterozygous state in individuals with congenital hypothyroidism (CH) (see for example, Stoupa et al. 2021. PubMed ID: 33692749; Gutnisky et al. 2004. PubMed ID: 14764776; Targovnik et al. 1998. PubMed ID: 9588493). This variant has also been reported in the heterozygous state in an individual with mild thyroid dyshormonogenesis (Patient 31 in Oliver-Petit et al. 2021. PubMed ID: 34248839); however, the carrier members of a different family for this variant were reported as unaffected (Gutnisky et al. 2004. PubMed ID: 14764776). This variant is reported in 0.015% of alleles in individuals of European (non-Finnish) descent in gnomAD. This variant is interpreted as pathogenic.

Dasa
Classification: Pathogenic. Last evaluated: 2025-04-28. Review status: criteria provided, single submitter. Criteria: DASA Assertion Criteria. Collection method: clinical testing. Allele origin: germline.
Comment: NM_003235.5(TG):c.4588C>T (p.Arg1530*) introduces a premature termination codon predicted to result in loss of normal protein function. Loss-of-function is an established mechanism of disease for this gene. Segregation evidence has been reported in affected families. This variant has been observed in affected individuals with related phenotype in a genotype context consistent with recessive disease (PMID: 2584351; PMID: 8325944; PMID: 9588493). This variant has been recurrently observed in individuals with related phenotype (PMID: 2584351; PMID: 8325944; PMID: 9588493). The variant is present at low frequency in population datasets. Based on the available data, this variant is classified as pathogenic.

First Genomix Gene Laboratory, Genetic Diagnostics Department
Classification: Pathogenic for Iodotyrosyl coupling defect. Last evaluated: 2024-12-23. Review status: criteria provided, single submitter. Criteria: ACMG Guidelines, 2015. Collection method: clinical testing. Allele origin: germline. Inheritance: Autosomal recessive inheritance. Affected: no. Observed: 1 variant allele.

Blueprint Genetics
Classification: Pathogenic for TG-related disorders. Last evaluated: 2024-10-25. Review status: criteria provided, single submitter. Criteria: ACMG Guidelines, 2015. Collection method: clinical testing. Allele origin: germline. Affected: yes. Observed: 5 variant alleles.

Labcorp Genetics (formerly Invitae), Labcorp
Classification: Pathogenic. Last evaluated: 2024-02-18. Review status: criteria provided, single submitter. Criteria: Invitae Variant Classification Sherloc (09022015). Collection method: clinical testing. Allele origin: germline.
Comment: This sequence change creates a premature translational stop signal (p.Arg1530*) in the TG gene. It is expected to result in an absent or disrupted protein product. Loss-of-function variants in TG are known to be pathogenic (PMID: 19837936, 23164529). This variant is present in population databases (rs121912646, gnomAD 0.02%). This premature translational stop signal has been observed in individual(s) with clinical features of thyroid dyshormonogenesis (PMID: 8325944, 11484898, 14764776, 28444304, 33692749, 34248839). This variant is also known as p.Arg1510* and p.Arg1511*. ClinVar contains an entry for this variant (Variation ID: 12691). Algorithms developed to predict the effect of sequence changes on RNA splicing suggest that this variant may disrupt the consensus splice site. For these reasons, this variant has been classified as Pathogenic.

Fulgent Genetics
Classification: Pathogenic for Iodotyrosyl coupling defect; Autoimmune thyroid disease, susceptibility to, 3. Last evaluated: 2024-01-30. Review status: criteria provided, single submitter. Criteria: ACMG Guidelines, 2015. Collection method: clinical testing. Allele origin: germline.

GeneDx
Classification: Pathogenic. Last evaluated: 2023-02-21. Review status: criteria provided, single submitter. Criteria: GeneDx Variant Classification Process June 2021. Collection method: clinical testing. Allele origin: germline. Affected: yes.
Comment: Published functional studies demonstrate a damaging effect (Targovnik et al., 1993); Nonsense variant predicted to result in protein truncation or nonsense mediated decay in a gene for which loss of function is a known mechanism of disease; This variant is associated with the following publications: (PMID: 9588493, 8325944, 34200080, 25525159, 11484898, 14764776, 28444304, 34426522, 34248839, 33692749, 35177841)

Institute of Medical Genetics and Applied Genomics, University Hospital Tübingen
Classification: Pathogenic for Iodotyrosyl coupling defect. Last evaluated: 2022-12-07. Review status: criteria provided, single submitter. Criteria: ACMG Guidelines, 2015. Collection method: clinical testing. Allele origin: germline. Inheritance: Autosomal recessive inheritance. Affected: yes.

Clinical Genetics Service, Universitary Hospital 12 de Octubre
Classification: Pathogenic for Iodotyrosyl coupling defect. Review status: criteria provided, single submitter. Criteria: ACMG Guidelines, 2015. Collection method: clinical testing. Allele origin: germline. Affected: yes.

OMIM
Classification: Pathogenic for THYROID DYSHORMONOGENESIS 3. Last evaluated: 2004-02-01. Review status: no assertion criteria provided. Collection method: literature only. Allele origin: germline. Not counted in ClinVar's aggregate classification.

Polak associated Lab, IMAGINE Institute
Classification: Pathogenic for Congenital hypothyroidism. Review status: no assertion criteria provided. Collection method: clinical testing. Allele origin: germline. Affected: yes. Not counted in ClinVar's aggregate classification.

Literature cited by the submitters: PubMed 2584351 (cited by Dasa); PubMed 8325944 (cited by 4 submitters); PubMed 9588493 (cited by Dasa and OMIM); PubMed 19837936 (cited by Labcorp Genetics (formerly Invitae), Labcorp); PubMed 23164529 (cited by Labcorp Genetics (formerly Invitae), Labcorp); PubMed 11484898 (cited by Labcorp Genetics (formerly Invitae), Labcorp and OMIM); PubMed 14764776 (cited by Labcorp Genetics (formerly Invitae), Labcorp and OMIM); PubMed 28444304 (cited by Labcorp Genetics (formerly Invitae), Labcorp); PubMed 33692749 (cited by Labcorp Genetics (formerly Invitae), Labcorp); PubMed 34248839 (cited by Labcorp Genetics (formerly Invitae), Labcorp).